The following is an entry in ClinVar:

ClinVar aggregate classification (germline): Uncertain significance (1 of 4 stars; one submission).

gnomAD v4.1: 1 of 1,614,136 alleles (0.000062%); highest among the groups gnomAD compares: Non-Finnish European, 0.000085%; no homozygotes.

Submission:

Labcorp Genetics (formerly Invitae), Labcorp
Classification: Uncertain significance. Last evaluated: 2025-10-08. Review status: criteria provided, single submitter. Criteria: Invitae Variant Classification Sherloc (09022015). Collection method: clinical testing. Allele origin: germline.
Comment: This sequence change replaces isoleucine, which is neutral and non-polar, with valine, which is neutral and non-polar, at codon 174 of the SLC12A3 protein (p.Ile174Val). This variant is not present in population databases (gnomAD no frequency). This variant has not been reported in the literature in individuals affected with SLC12A3-related conditions. Invitae Evidence Modeling of protein sequence and biophysical properties (such as structural, functional, and spatial information, amino acid conservation, physicochemical variation, residue mobility, and thermodynamic stability) has been performed for this missense variant. However, the output from this modeling did not meet the statistical confidence thresholds required to predict the impact of this variant on SLC12A3 protein function. In summary, the available evidence is currently insufficient to determine the role of this variant in disease. Therefore, it has been classified as a Variant of Uncertain Significance.

NM_001126108.2(SLC12A3):c.520A>G (p.Ile174Val)

Gene: SLC12A3 (solute carrier family 12 member 3; plus strand). Cytogenetic location: 16q13.
Variant type: single nucleotide variant.
Coding change: c.520A>G on transcript NM_001126108.2 (MANE Select); coding-DNA position 520, A replaced by G.
Protein change: p.Ile174Val; replaces isoleucine 174 with valine.
Molecular consequence: missense variant.
Genome position (GRCh38, 1-based): chr16:56,869,743, A>G. VCF-style: chr16-56869743-A-G. GRCh37 (hg19) VCF-style: chr16-56903655-A-G.
Other names: c.520A>G, p.Ile174Val (NM_000339.3); c.517A>G, p.Ile173Val (NM_001126107.2, NM_001410896.1); short protein forms I173V, I174V.
Identifiers: ClinVar variation 4761126 (VCV004761126.1).